The following is an entry in ClinVar:

ClinVar aggregate classification (germline): Uncertain significance (1 of 4 stars; one submission).

Conditions:
Cardiovascular phenotype. Identifiers: MedGen CN230736.

Allele frequency attached by ClinVar (database versions not stated): gnomAD exomes below 0.00001.
gnomAD v4.1: 2 of 1,614,184 alleles (0.00012%); highest among the groups gnomAD compares: Non-Finnish European, 0.00017%; no homozygotes.

Submission:

Ambry Genetics
Classification: Uncertain significance for Cardiovascular phenotype. Last evaluated: 2025-05-30. Review status: criteria provided, single submitter. Criteria: Ambry Variant Classification Scheme 2023. Collection method: clinical testing. Allele origin: germline.
Comment: The p.L131P variant (also known as c.392T>C), located in coding exon 2 of the PCSK9 gene, results from a T to C substitution at nucleotide position 392. The leucine at codon 131 is replaced by proline, an amino acid with similar properties. This amino acid position is conserved. In addition, the in silico prediction for this alteration is inconclusive. Since supporting evidence is limited at this time, the clinical significance of this alteration remains unclear.

NM_174936.4(PCSK9):c.392T>C (p.Leu131Pro)

Gene: PCSK9 (proprotein convertase subtilisin/kexin type 9; plus strand). Cytogenetic location: 1p32.3.
Variant type: single nucleotide variant.
Coding change: c.392T>C on transcript NM_174936.4 (MANE Select); coding-DNA position 392, T replaced by C.
Protein change: p.Leu131Pro; replaces leucine 131 with proline.
Molecular consequence: missense variant. On other transcripts: non-coding transcript variant (6), intron variant (1).
Genome position (GRCh38, 1-based): chr1:55,044,027, T>C. VCF-style: chr1-55044027-T-C. GRCh37 (hg19) VCF-style: chr1-55509700-T-C.
Other names: c.515T>C, p.Leu172Pro (NM_001407240.1); c.392T>C, p.Leu131Pro (NM_001407241.1, NM_001407242.1, NM_001407243.1 and 2 more transcripts); c.17T>C, p.Leu6Pro (NM_001407246.1); c.208-2496T>C (NM_001407245.1); short protein forms L172P, L6P, L131P.
Identifiers: ClinVar variation 2454167 (VCV002454167.3), dbSNP rs2523184773, ClinGen allele CA340483875.